The following is an entry in ClinVar:

NM_004963.4(GUCY2C):c.286C>T (p.Arg96Trp)

Genes: GUCY2C (guanylate cyclase 2C; minus strand), GUCY2C-AS1 (GUCY2C antisense RNA 1; plus strand). Cytogenetic location: 12p12.3.
Variant type: single nucleotide variant.
Coding change: c.286C>T on transcript NM_004963.4 (MANE Select); coding-DNA position 286, C replaced by T.
Protein change: p.Arg96Trp; replaces arginine 96 with tryptophan.
Molecular consequence: missense variant.
Genome position (GRCh38, 1-based): chr12:14,687,995, G>A on the plus strand (C>T on the coding strand, the complement: GUCY2C is on the minus strand). VCF-style: chr12-14687995-G-A. GRCh37 (hg19) VCF-style: chr12-14840929-G-A.
Other names: short protein forms R96W.
Identifiers: ClinVar variation 2186583 (VCV002186583.4), dbSNP rs150442498, ClinGen allele CA6463792.

ClinVar aggregate classification (germline): Uncertain significance (1 of 4 stars; one submission).

Allele frequency attached by ClinVar (database versions not stated): ExAC 0.00002; gnomAD 0.00007; ESP Exome Variant Server 0.00008; TOPMed 0.00010.

Submission:

Labcorp Genetics (formerly Invitae), Labcorp
Classification: Uncertain significance. Last evaluated: 2025-05-13. Review status: criteria provided, single submitter. Criteria: Invitae Variant Classification Sherloc (09022015). Collection method: clinical testing. Allele origin: germline.
Comment: This sequence change replaces arginine, which is basic and polar, with tryptophan, which is neutral and slightly polar, at codon 96 of the GUCY2C protein (p.Arg96Trp). This variant is present in population databases (rs150442498, gnomAD 0.01%). This variant has not been reported in the literature in individuals affected with GUCY2C-related conditions. ClinVar contains an entry for this variant (Variation ID: 2186583). Invitae Evidence Modeling of protein sequence and biophysical properties (such as structural, functional, and spatial information, amino acid conservation, physicochemical variation, residue mobility, and thermodynamic stability) indicates that this missense variant is not expected to disrupt GUCY2C protein function with a negative predictive value of 80%. In summary, the available evidence is currently insufficient to determine the role of this variant in disease. Therefore, it has been classified as a Variant of Uncertain Significance.